The following is an entry in ClinVar:

NM_000218.3(KCNQ1):c.1514+3149G>A

Genes: KCNQ1 (potassium voltage-gated channel subfamily Q member 1; plus strand), KCNQ1OT1 (KCNQ1 opposite strand/antisense transcript 1; minus strand). Cytogenetic location: 11p15.5.
Variant type: single nucleotide variant.
Coding change: c.1514+3149G>A on transcript NM_000218.3 (MANE Select); 3149 bases into the intron after coding-DNA position 1514, G replaced by A.
Molecular consequence: intron variant. On other transcripts: non-coding transcript variant (1).
Genome position (GRCh38, 1-based): chr11:2,665,230, G>A. VCF-style: chr11-2665230-G-A. GRCh37 (hg19) VCF-style: chr11-2686460-G-A.
Other names: c.1244+3149G>A (NM_001406837.1); c.1418+3149G>A (NM_001406836.1); c.974+3149G>A (NM_001406838.1); c.1133+3149G>A (NM_181798.2).
Identifiers: ClinVar variation 4873919 (VCV004873919.2).

ClinVar aggregate classification (germline): Likely benign (1 of 4 stars; one submission).

gnomAD v4.1: 111 of 398,426 alleles (0.028%); highest among the groups gnomAD compares: Middle Eastern, 0.12%; no homozygotes.

Submission:

CeGaT Center for Human Genetics Tuebingen
Classification: Likely benign. Last evaluated: 2026-07-01. Review status: criteria provided, single submitter. Criteria: CeGaT Center For Human Genetics Tuebingen Variant Classification Criteria Version 2. Collection method: clinical testing. Allele origin: germline. Affected: yes. Observed: 3 variant alleles.
Comment: KCNQ1OT1: BS2